The following is an entry in ClinVar:

NM_053025.4(MYLK):c.2093G>T (p.Trp698Leu)

Gene: MYLK (myosin light chain kinase; minus strand). Cytogenetic location: 3q21.1.
Variant type: single nucleotide variant.
Coding change: c.2093G>T on transcript NM_053025.4 (MANE Select); coding-DNA position 2093, G replaced by T.
Protein change: p.Trp698Leu; replaces tryptophan 698 with leucine.
Molecular consequence: missense variant.
Genome position (GRCh38, 1-based): chr3:123,708,745, C>A on the plus strand (G>T on the coding strand, the complement: MYLK is on the minus strand). VCF-style: chr3-123708745-C-A. GRCh37 (hg19) VCF-style: chr3-123427592-C-A.
Other names: c.1565G>T, p.Trp522Leu (NM_001321309.2); c.1886G>T, p.Trp629Leu (NM_053026.4, NM_053028.4); c.2093G>T, p.Trp698Leu (NM_053027.4); short protein forms W698L, W629L, W522L.
Identifiers: ClinVar variation 862485 (VCV000862485.11), dbSNP rs780949312, ClinGen allele CA068030.

ClinVar aggregate classification (germline): Uncertain significance. Review status: criteria provided, multiple submitters, no conflicts (2 of 4 stars). 2 submissions from 2 submitters: Uncertain significance (2). Last evaluated 2026-07-19.

Conditions:
Familial thoracic aortic aneurysm and aortic dissection (TAAD). Also called: Thoracic aortic aneurysms and dissections. Identifiers: Orphanet 91387, MedGen C4707243, MONDO:0019625.
Aortic aneurysm, familial thoracic 7 (AAT7). Also called: AORTIC DISSECTION, FAMILIAL, WITH OR WITHOUT AORTIC ANEURYSM. Identifiers: MedGen C3151077, MONDO:0013418, OMIM 613780.

Allele frequency attached by ClinVar (database versions not stated): ExAC 0.00001; TOPMed 0.00002; gnomAD exomes 0.00002 and 0.00001; gnomAD 0.00001.
gnomAD v4.1: 24 of 1,614,082 alleles (0.0015%); highest among the groups gnomAD compares: Non-Finnish European, 0.002%; no homozygotes.

Submissions (2):

Ambry Genetics
Classification: Uncertain significance for Familial thoracic aortic aneurysm and aortic dissection. Last evaluated: 2026-07-19. Review status: criteria provided, single submitter. Criteria: Ambry Variant Classification Scheme 2023. Collection method: clinical testing. Allele origin: germline.
Comment: The p.W698L variant (also known as c.2093G>T), located in coding exon 12 of the MYLK gene, results from a G to T substitution at nucleotide position 2093. The tryptophan at codon 698 is replaced by leucine, an amino acid with similar properties. This amino acid position is conserved. In addition, the in silico prediction for this alteration is inconclusive. Based on the available evidence, the clinical significance of this variant remains unclear.

Labcorp Genetics (formerly Invitae), Labcorp
Classification: Uncertain significance for Aortic aneurysm, familial thoracic 7. Last evaluated: 2023-07-07. Review status: criteria provided, single submitter. Criteria: Invitae Variant Classification Sherloc (09022015). Collection method: clinical testing. Allele origin: germline.
Comment: ClinVar contains an entry for this variant (Variation ID: 862485). In summary, the available evidence is currently insufficient to determine the role of this variant in disease. Therefore, it has been classified as a Variant of Uncertain Significance. Advanced modeling of protein sequence and biophysical properties (such as structural, functional, and spatial information, amino acid conservation, physicochemical variation, residue mobility, and thermodynamic stability) performed at Invitae indicates that this missense variant is not expected to disrupt MYLK protein function. This variant has not been reported in the literature in individuals affected with MYLK-related conditions. This variant is present in population databases (rs780949312, gnomAD 0.002%). This sequence change replaces tryptophan, which is neutral and slightly polar, with leucine, which is neutral and non-polar, at codon 698 of the MYLK protein (p.Trp698Leu).